The following is an entry in ClinVar:

NM_001145809.2(MYH14):c.1064A>C (p.Glu355Ala)

Gene: MYH14 (myosin heavy chain 14; plus strand). Cytogenetic location: 19q13.33.
Variant type: single nucleotide variant.
Coding change: c.1064A>C on transcript NM_001145809.2 (MANE Select); coding-DNA position 1064, A replaced by C.
Protein change: p.Glu355Ala; replaces glutamic acid 355 with alanine.
Molecular consequence: missense variant.
Genome position (GRCh38, 1-based): chr19:50,232,020, A>C. VCF-style: chr19-50232020-A-C. GRCh37 (hg19) VCF-style: chr19-50735277-A-C.
Other names: c.1064A>C, p.Glu355Ala (NM_001077186.2); c.1040A>C, p.Glu347Ala (NM_024729.4); short protein forms E347A, E355A.
Identifiers: ClinVar variation 1308392 (VCV001308392.2), dbSNP rs2123237923, ClinGen allele CA406955290.

ClinVar aggregate classification (germline): Uncertain significance (1 of 4 stars; one submission).

Submission:

GeneDx
Classification: Uncertain significance. Last evaluated: 2019-04-02. Review status: criteria provided, single submitter. Criteria: GeneDx Variant Classification Process June 2021. Collection method: clinical testing. Allele origin: germline. Affected: yes.
Comment: Not observed in large population cohorts (Lek et al., 2016); In silico analysis, which includes protein predictors and evolutionary conservation, supports a deleterious effect; Has not been previously published as pathogenic or benign to our knowledge